The following is an entry in ClinVar:

ClinVar aggregate classification (germline): Conflicting classifications of pathogenicity. Review status: criteria provided, conflicting classifications (1 of 4 stars). 9 submissions from 8 submitters: Uncertain significance (3); Benign (1); Likely benign (4). 1 of the submissions does not count toward it. Last evaluated 2025-12-31.

Conditions:
PRKAG2-related disorder. Also called: PRKAG2-related disorders; PRKAG2-related condition.
Cardiomyopathy (CMYO). Also called: Cardiomyopathies. Identifiers: Orphanet 167848, MedGen C0878544, MONDO:0004994, HP:0001638. Inheritance: Various modes of inheritance.
Wolff-Parkinson-White pattern. Also called: WPW SYNDROME; Auriculoventricular accessory pathway syndrome; False bundle branch block syndrome; Anomalous ventricular excitation syndrome. Identifiers: MedGen C0043202, MONDO:0008685, OMIM 194200, HP:0001716.
Hypertrophic cardiomyopathy 6. Identifiers: MedGen C1833236, MONDO:0010946, OMIM 600858.

Allele frequency attached by ClinVar (database versions not stated): gnomAD 0.00003 and 0.00007; TOPMed 0.00009; gnomAD exomes 0.00010; ExAC 0.00011; ESP Exome Variant Server 0.00015.
gnomAD v4.1: 252 of 1,613,972 alleles (0.016%); highest among the groups gnomAD compares: Non-Finnish European, 0.02%; no homozygotes.

Submissions (9):

PreventionGenetics, part of Exact Sciences
Classification: Likely benign for PRKAG2-related condition. Last evaluated: 2025-12-31. Review status: criteria provided, single submitter. Criteria: ACMG Guidelines, 2015. Collection method: clinical testing. Allele origin: germline.
Comment: This variant is classified as likely benign based on ACMG/AMP sequence variant interpretation guidelines (Richards et al. 2015 PMID: 25741868, with internal and published modifications).

Blueprint Genetics
Classification: Likely benign. Last evaluated: 2024-11-01. Review status: criteria provided, single submitter. Criteria: ACMG Guidelines, 2015. Collection method: clinical testing. Allele origin: germline.

Women's Health and Genetics/Laboratory Corporation of America, LabCorp
Classification: Benign. Last evaluated: 2021-04-15. Review status: criteria provided, single submitter. Criteria: LabCorp Variant Classification Summary - May 2015. Collection method: clinical testing. Allele origin: germline.
Comment: Variant summary: PRKAG2 c.*2C>T is located in the untranslated mRNA region downstream of the termination codon. 4/4 computational tools predict no significant impact on normal splicing. However, these predictions have yet to be confirmed by functional studies. The variant allele was found at a frequency of 9.6e-05 in 249856 control chromosomes, predominantly at a frequency of 0.00015 within the Non-Finnish European subpopulation in the gnomAD database. The observed variant frequency within Non-Finnish European control individuals in the gnomAD database is approximately 12-fold the estimated maximal expected allele frequency for a pathogenic variant in PRKAG2 causing Hypertrophic Cardiomyopathy With Wolff-Parkinson-White phenotype (1.3e-05), strongly suggesting that the variant is a benign polymorphism found primarily in populations of Non-Finnish European origin. c.*2C>T has been reported in the literature in at least one individual affected with peripartum cardiomyopathy without evidence for causality (e.g. van Spaendonck-Zwarts_2014). This report does not provide unequivocal conclusions about association of the variant with Hypertrophic Cardiomyopathy With Wolff-Parkinson-White. To our knowledge, no experimental evidence demonstrating an impact on protein function has been reported. Four other clinical diagnostic laboratories have submitted clinical-significance assessments for this variant to ClinVar after 2014 without evidence for independent evaluation. Multiple laboratories reported the variant with conflicting assessments (likely benign, n=2; uncertain significance, n=2). Based on the evidence outlined above, the variant was classified as benign.

CHEO Genetics Diagnostic Laboratory, Children's Hospital of Eastern Ontario
Classification: Uncertain significance for Cardiomyopathy. Last evaluated: 2019-12-04. Review status: criteria provided, single submitter. Criteria: ACMG Guidelines, 2015. Collection method: clinical testing. Allele origin: germline.

Color Diagnostics, LLC DBA Color Health
Classification: Likely benign for Cardiomyopathy. Last evaluated: 2018-10-29. Review status: criteria provided, single submitter. Criteria: ACMG Guidelines, 2015. Collection method: clinical testing. Allele origin: germline.

Illumina Laboratory Services, Illumina
Classification: Uncertain significance for Hypertrophic cardiomyopathy 6. Last evaluated: 2018-01-13. Review status: criteria provided, single submitter. Criteria: ICSL Variant Classification Criteria 13 December 2019. Collection method: clinical testing. Allele origin: germline.

Illumina Laboratory Services, Illumina
Classification: Uncertain significance for Wolff-Parkinson-White pattern. Last evaluated: 2018-01-13. Review status: criteria provided, single submitter. Criteria: ICSL Variant Classification Criteria 13 December 2019. Collection method: clinical testing. Allele origin: germline.

GeneDx
Classification: Likely benign. Last evaluated: 2017-05-18. Review status: criteria provided, single submitter. Criteria: GeneDx Variant Classification (06012015). Collection method: clinical testing. Allele origin: germline. Affected: yes.
Comment: This variant is considered likely benign or benign based on one or more of the following criteria: it is a conservative change, it occurs at a poorly conserved position in the protein, it is predicted to be benign by multiple in silico algorithms, and/or has population frequency not consistent with disease.

Laboratory for Molecular Medicine, Mass General Brigham Personalized Medicine
No classification provided. Last evaluated: 2013-09-18. Review status: no classification provided. Collection method: clinical testing. Allele origin: germline. Observed: 2 variant alleles. Not counted in ClinVar's aggregate classification.

Literature cited by the submitters: PubMed 24558114 (cited by Women's Health and Genetics/Laboratory Corporation of America, LabCorp).

NM_016203.4(PRKAG2):c.*2C>T

Gene: PRKAG2 (protein kinase AMP-activated non-catalytic subunit gamma 2; minus strand). Cytogenetic location: 7q36.1.
Variant type: single nucleotide variant.
Coding change: c.*2C>T on transcript NM_016203.4 (MANE Select); 2 bases downstream of the stop codon, C replaced by T.
Molecular consequence: 3 prime UTR variant.
Genome position (GRCh38, 1-based): chr7:151,557,199, G>A on the plus strand (C>T on the coding strand, the complement: PRKAG2 is on the minus strand). VCF-style: chr7-151557199-G-A. GRCh37 (hg19) VCF-style: chr7-151254285-G-A.
Other names: c.*2C>T (NM_001040633.2, NM_001304527.2, NM_001304531.2 and 2 more transcripts).
Identifiers: ClinVar variation 177987 (VCV000177987.15), dbSNP rs199559205, ClinGen allele CA014109.